The following is an entry in ClinVar:

ClinVar aggregate classification (germline): Uncertain significance. Review status: criteria provided, multiple submitters, no conflicts (2 of 4 stars). 3 submissions from 3 submitters: Uncertain significance (3). Last evaluated 2025-05-07.

Conditions:
Persistent Mullerian duct syndrome (PMDS). Also called: FEMALE GENITAL DUCTS IN OTHERWISE NORMAL MALE; HERNIA UTERI INGUINALE; PERSISTENT MULLERIAN DUCT SYNDROME, TYPES I AND II; PERSISTENT OVIDUCT SYNDROME; PSEUDOHERMAPHRODITISM, MALE INTERNAL. Identifiers: Orphanet 2856, MedGen C1849930, MONDO:0009857, OMIM 261550.

Allele frequency attached by ClinVar (database versions not stated): 1000 Genomes Project 30x 0.00016; 1000 Genomes Project 0.00020; gnomAD exomes 0.00024; gnomAD 0.00029; TOPMed 0.00039; ExAC 0.00044.
gnomAD v4.1: 481 of 1,529,614 alleles (0.031%); highest among the groups gnomAD compares: Admixed American, 0.048%; no homozygotes.

Submissions (3):

Labcorp Genetics (formerly Invitae), Labcorp
Classification: Uncertain significance. Last evaluated: 2025-05-07. Review status: criteria provided, single submitter. Criteria: Invitae Variant Classification Sherloc (09022015). Collection method: clinical testing. Allele origin: germline.
Comment: This sequence change replaces threonine, which is neutral and polar, with serine, which is neutral and polar, at codon 99 of the AMH protein (p.Thr99Ser). This variant is present in population databases (rs200226465, gnomAD 0.04%). This missense change has been observed in individual(s) with hypogonadotropic hypogonadism (PMID: 31291191). ClinVar contains an entry for this variant (Variation ID: 1326605). An algorithm developed to predict the effect of missense changes on protein structure and function (PolyPhen-2) suggests that this variant is likely to be disruptive. Experimental studies have shown that this missense change affects AMH function (PMID: 30786001, 31291191). In summary, the available evidence is currently insufficient to determine the role of this variant in disease. Therefore, it has been classified as a Variant of Uncertain Significance.

Fulgent Genetics
Classification: Uncertain significance for Persistent Mullerian duct syndrome. Last evaluated: 2021-12-20. Review status: criteria provided, single submitter. Criteria: ACMG Guidelines, 2015. Collection method: clinical testing. Allele origin: unknown.

GeneDx
Classification: Uncertain significance. Last evaluated: 2021-11-23. Review status: criteria provided, single submitter. Criteria: GeneDx Variant Classification Process June 2021. Collection method: clinical testing. Allele origin: germline. Affected: yes.
Comment: Published functional studies suggest a damaging effect on AMH activity, AMH protein secretion, and downstream signaling (Gorsic et al., 2019; Malone et al., 2019); In silico analysis supports that this missense variant does not alter protein structure/function; This variant is associated with the following publications: (PMID: 28505284, 31291191, 30786001)

Literature cited by the submitters: PubMed 31291191 (cited by Labcorp Genetics (formerly Invitae), Labcorp); PubMed 30786001 (cited by Labcorp Genetics (formerly Invitae), Labcorp).

NM_000479.5(AMH):c.295A>T (p.Thr99Ser)

Gene: AMH (anti-Mullerian hormone; plus strand). Cytogenetic location: 19p13.3.
Variant type: single nucleotide variant.
Coding change: c.295A>T on transcript NM_000479.5 (MANE Select); coding-DNA position 295, A replaced by T.
Protein change: p.Thr99Ser; replaces threonine 99 with serine.
Molecular consequence: missense variant.
Genome position (GRCh38, 1-based): chr19:2,249,627, A>T. VCF-style: chr19-2249627-A-T. GRCh37 (hg19) VCF-style: chr19-2249626-A-T.
Other names: short protein forms T99S.
Identifiers: ClinVar variation 1326605 (VCV001326605.10), dbSNP rs200226465, ClinGen allele CA9062794.
Genomic context (GRCh38, chr19:2,249,627, plus strand): 5'-TATGAGCAGGCCTTCCTGGGGGCCGTGCAGAGGGCCCGCTGGGGCCCCCGAGACCTGGCC[A>T]CCTTCGGGGTCTGCAACACCGGTGACAGGCAGGCTGCCTTGCCCTCTCTACGGCGGCTGG-3'
Protein context (NP_000470.3, residues 89-109): RARWGPRDLA[Thr99Ser]FGVCNTGDRQ